The following is an entry in ClinVar:

ClinVar aggregate classification (germline): Uncertain significance (1 of 4 stars; one submission).

Conditions:
Rhabdoid tumor predisposition syndrome 2 (RTPS2). Identifiers: Orphanet 231108, Orphanet 69077, MedGen C2750074, MONDO:0013224, OMIM 613325.

Allele frequency attached by ClinVar (database versions not stated): gnomAD exomes below 0.00001.
gnomAD v4.1: 2 of 1,560,888 alleles (0.00013%); highest among the groups gnomAD compares: East Asian, 0.0045%; no homozygotes.

Submission:

Labcorp Genetics (formerly Invitae), Labcorp
Classification: Uncertain significance for Rhabdoid tumor predisposition syndrome 2. Last evaluated: 2020-11-22. Review status: criteria provided, single submitter. Criteria: Invitae Variant Classification Sherloc (09022015). Collection method: clinical testing. Allele origin: germline.
Comment: In summary, the available evidence is currently insufficient to determine the role of this variant in disease. Therefore, it has been classified as a Variant of Uncertain Significance. Algorithms developed to predict the effect of sequence changes on RNA splicing suggest that this variant may create or strengthen a splice site, but this prediction has not been confirmed by published transcriptional studies. This variant has not been reported in the literature in individuals with SMARCA4-related conditions. This variant is not present in population databases (ExAC no frequency). This sequence change falls in intron 20 of the SMARCA4 gene. It does not directly change the encoded amino acid sequence of the SMARCA4 protein.

NM_003072.5(SMARCA4):c.2973+10T>G

Gene: SMARCA4 (SWI/SNF related BAF chromatin remodeling complex subunit ATPase 4; plus strand). Cytogenetic location: 19p13.2.
Variant type: single nucleotide variant.
Coding change: c.2973+10T>G on transcript NM_003072.5 (MANE Select); 10 bases into the intron after coding-DNA position 2973, T replaced by G.
Molecular consequence: intron variant.
Genome position (GRCh38, 1-based): chr19:11,023,641, T>G. VCF-style: chr19-11023641-T-G. GRCh37 (hg19) VCF-style: chr19-11134317-T-G.
Other names: c.2973+10T>G (NM_001128844.3, NM_001128849.3, NM_001128847.4 and 5 more transcripts).
Identifiers: ClinVar variation 1392108 (VCV001392108.8), dbSNP rs2090031606, ClinGen allele CA2322726181.
Genomic context (GRCh38, chr19:11,023,641, plus strand): 5'-TTCTTGCTCCGACGACTCAAGAAGGAAGTCGAGGCCCAGTTGCCCGAAAAGGTGATGGAG[T>G]TTTGAGGGGAGCCACCAGTGAAGCAGCCTCACGTGGGGGCTTTCTCCAGGGCTGGGCGTG-3'